The following is an entry in ClinVar:

NM_176806.4(MOCS2):c.100G>T (p.Ala34Ser)

Gene: MOCS2 (molybdenum cofactor synthesis 2; minus strand). Cytogenetic location: 5q11.2.
Variant type: single nucleotide variant.
Coding change: c.100G>T on transcript NM_176806.4 (MANE Plus Clinical); coding-DNA position 100, G replaced by T.
Protein change: p.Ala34Ser; replaces alanine 34 with serine.
Molecular consequence: missense variant. On other transcripts: 5 prime UTR variant (1).
Genome position (GRCh38, 1-based): chr5:53,108,562, C>A on the plus strand (G>T on the coding strand, the complement: MOCS2 is on the minus strand). VCF-style: chr5-53108562-C-A. GRCh37 (hg19) VCF-style: chr5-52404392-C-A.
Other names: c.-88G>T (NM_004531.5); short protein forms A34S.
Identifiers: ClinVar variation 1058122 (VCV001058122.9), dbSNP rs2112092902, ClinGen allele CA359694065.
Genomic context (GRCh38, chr5:53,108,562, plus strand): 5'-TTCTACAAATTTTTAACTACCCAGGATGTCGAGTTTCTATCTCCTTCCACAGCTGCAACG[C>A]TTTTATTTCTTGAGGCACAGAAATGGTCTCTGAACGAACTCCTGTTATTTCAGCACTTTT-3'
Protein context (NP_789776.1, residues 24-44): ETISVPQEIK[Ala34Ser]LQLWKEIETR

ClinVar aggregate classification (germline): Uncertain significance (1 of 4 stars; one submission).

Submission:

Labcorp Genetics (formerly Invitae), Labcorp
Classification: Uncertain significance. Last evaluated: 2024-02-17. Review status: criteria provided, single submitter. Criteria: Invitae Variant Classification Sherloc (09022015). Collection method: clinical testing. Allele origin: germline.
Comment: This sequence change replaces alanine, which is neutral and non-polar, with serine, which is neutral and polar, at codon 34 of the MOCS2A protein (p.Ala34Ser). This variant is not present in population databases (gnomAD no frequency). This variant has not been reported in the literature in individuals affected with MOCS2A-related conditions. ClinVar contains an entry for this variant (Variation ID: 1058122). Algorithms developed to predict the effect of missense changes on protein structure and function output the following: SIFT: "Not Available"; PolyPhen-2: "Benign"; Align-GVGD: "Not Available". The serine amino acid residue is found in multiple mammalian species, which suggests that this missense change does not adversely affect protein function. In summary, the available evidence is currently insufficient to determine the role of this variant in disease. Therefore, it has been classified as a Variant of Uncertain Significance.